The following is an entry in ClinVar:

NM_001042492.3(NF1):c.6119C>G (p.Ser2040Cys)

Gene: NF1 (neurofibromin 1; plus strand). Cytogenetic location: 17q11.2.
Variant type: single nucleotide variant.
Coding change: c.6119C>G on transcript NM_001042492.3 (MANE Select); coding-DNA position 6119, C replaced by G.
Protein change: p.Ser2040Cys; replaces serine 2040 with cysteine.
Molecular consequence: missense variant.
Genome position (GRCh38, 1-based): chr17:31,336,445, C>G. VCF-style: chr17-31336445-C-G. GRCh37 (hg19) VCF-style: chr17-29663463-C-G.
Other names: c.6056C>G, p.Ser2019Cys (NM_000267.4); short protein forms S2040C, S2019C.
Identifiers: ClinVar variation 3404650 (VCV003404650.1).

ClinVar aggregate classification (germline): Uncertain significance (1 of 4 stars; one submission).

Conditions:
Hereditary cancer-predisposing syndrome. Also called: Hereditary Cancer Syndrome; Tumor predisposition; Hereditary neoplastic syndrome; Neoplastic Syndromes, Hereditary. Identifiers: Orphanet 140162, MedGen C0027672, MeSH D009386, MONDO:0015356.
Cardiovascular phenotype. Identifiers: MedGen CN230736.

gnomAD v4.1: 1 of 1,614,078 alleles (0.000062%); highest among the groups gnomAD compares: Non-Finnish European, 0.000085%; no homozygotes.

Submission:

Ambry Genetics
Classification: Uncertain significance for Cardiovascular phenotype; Hereditary cancer-predisposing syndrome. Last evaluated: 2024-07-01. Review status: criteria provided, single submitter. Criteria: Ambry Variant Classification Scheme 2023. Collection method: clinical testing. Allele origin: germline.
Comment: The p.S2019C variant (also known as c.6056C>G), located in coding exon 40 of the NF1 gene, results from a C to G substitution at nucleotide position 6056. The serine at codon 2019 is replaced by cysteine, an amino acid with dissimilar properties. This amino acid position is conserved. In addition, this alteration is predicted to be deleterious by in silico analysis. Based on the available evidence, the clinical significance of this variant remains unclear.